The following is an entry in ClinVar:

NM_000186.4(CFH):c.3598G>T (p.Val1200Leu)

Gene: CFH (complement factor H; plus strand). Cytogenetic location: 1q31.3.
Variant type: single nucleotide variant.
Coding change: c.3598G>T on transcript NM_000186.4 (MANE Select); coding-DNA position 3598, G replaced by T.
Protein change: p.Val1200Leu; replaces valine 1200 with leucine.
Molecular consequence: missense variant.
Genome position (GRCh38, 1-based): chr1:196,747,215, G>T. VCF-style: chr1-196747215-G-T. GRCh37 (hg19) VCF-style: chr1-196716345-G-T.
Other names: short protein forms V1200L.
Identifiers: ClinVar variation 4291627 (VCV004291627.1).

ClinVar aggregate classification (germline): Uncertain significance (1 of 4 stars; one submission).

Conditions:
Atypical hemolytic-uremic syndrome. Identifiers: Orphanet 2134, MedGen C2931788, MONDO:0016244.

Submission:

Genomenon, Inc
Classification: Uncertain significance for Atypical hemolytic-uremic syndrome. Last evaluated: 2025-10-02. Review status: criteria provided, single submitter. Criteria: Genomenon Sequence Variant Interpretation Standards - Updated. Collection method: curation. Allele origin: germline. Affected: yes.
Comment: CFH p.Val1200Leu (c.3598G>T) is a missense variant that changes the amino acid at residue 1200 from Valine to Leucine. This variant has been observed in at least one proband affected with atypical hemolytic-uremic syndrome (PMID:23431077). Functional studies have been reported (PMID:34189567). It is absent or not present at a significant frequency in gnomAD. In silico models agree that this variant is not damaging. In conclusion, we classify CFH p.Val1200Leu (c.3598G>T) as a variant of uncertain significance.

Literature cited by the submitters: PubMed 23431077; PubMed 34189567.